The following is an entry in ClinVar:

ClinVar aggregate classification (germline): Uncertain significance (1 of 4 stars; one submission).

Conditions:
Holoprosencephaly 5 (HPE5). Identifiers: Orphanet 2162, MedGen C1864827, MONDO:0012322, OMIM 609637.

Submission:

Labcorp Genetics (formerly Invitae), Labcorp
Classification: Uncertain significance for Holoprosencephaly 5. Last evaluated: 2019-05-10. Review status: criteria provided, single submitter. Criteria: Invitae Variant Classification Sherloc (09022015). Collection method: clinical testing. Allele origin: germline.
Comment: This sequence change replaces glutamic acid with lysine at codon 366 of the ZIC2 protein (p.Glu366Lys). The glutamic acid residue is highly conserved and there is a small physicochemical difference between glutamic acid and lysine. In summary, the available evidence is currently insufficient to determine the role of this variant in disease. Therefore, it has been classified as a Variant of Uncertain Significance. Algorithms developed to predict the effect of missense changes on protein structure and function (SIFT, PolyPhen-2, Align-GVGD) all suggest that this variant is likely to be disruptive, but these predictions have not been confirmed by published functional studies and their clinical significance is uncertain. This variant has not been reported in the literature in individuals with ZIC2-related conditions. This variant is not present in population databases (ExAC no frequency).

NM_007129.5(ZIC2):c.1096G>A (p.Glu366Lys)

Gene: ZIC2 (Zic family zinc finger 2; plus strand). Cytogenetic location: 13q32.3.
Variant type: single nucleotide variant.
Coding change: c.1096G>A on transcript NM_007129.5 (MANE Select); coding-DNA position 1096, G replaced by A.
Protein change: p.Glu366Lys; replaces glutamic acid 366 with lysine.
Molecular consequence: missense variant.
Genome position (GRCh38, 1-based): chr13:99,984,966, G>A. VCF-style: chr13-99984966-G-A. GRCh37 (hg19) VCF-style: chr13-100637220-G-A.
Other names: short protein forms E366K.
Identifiers: ClinVar variation 948917 (VCV000948917.9), dbSNP rs2053256269, ClinGen allele CA388638803.